The following is an entry in ClinVar:

ClinVar aggregate classification (germline): Uncertain significance (1 of 4 stars; one submission).

gnomAD v4.1: 1 of 1,614,214 alleles (0.000062%); highest among the groups gnomAD compares: African/African-American, 0.0013%; no homozygotes.

Submission:

Labcorp Genetics (formerly Invitae), Labcorp
Classification: Uncertain significance. Last evaluated: 2024-02-07. Review status: criteria provided, single submitter. Criteria: Invitae Variant Classification Sherloc (09022015). Collection method: clinical testing. Allele origin: germline.
Comment: This sequence change replaces histidine, which is basic and polar, with tyrosine, which is neutral and polar, at codon 3328 of the KMT2A protein (p.His3328Tyr). This variant is present in population databases (no rsID available, gnomAD 0.007%). This variant has not been reported in the literature in individuals affected with KMT2A-related conditions. Advanced modeling of protein sequence and biophysical properties (such as structural, functional, and spatial information, amino acid conservation, physicochemical variation, residue mobility, and thermodynamic stability) performed at Invitae indicates that this missense variant is not expected to disrupt KMT2A protein function with a negative predictive value of 95%. In summary, the available evidence is currently insufficient to determine the role of this variant in disease. Therefore, it has been classified as a Variant of Uncertain Significance.

NM_001197104.2(KMT2A):c.9982C>T (p.His3328Tyr)

Gene: KMT2A (lysine methyltransferase 2A; plus strand). Cytogenetic location: 11q23.3.
Variant type: single nucleotide variant.
Coding change: c.9982C>T on transcript NM_001197104.2 (MANE Select); coding-DNA position 9982, C replaced by T.
Protein change: p.His3328Tyr; replaces histidine 3328 with tyrosine.
Molecular consequence: missense variant.
Genome position (GRCh38, 1-based): chr11:118,505,874, C>T. VCF-style: chr11-118505874-C-T. GRCh37 (hg19) VCF-style: chr11-118376589-C-T.
Other names: c.10072C>T, p.His3358Tyr (NM_001412597.1); c.9973C>T, p.His3325Tyr (NM_005933.4); short protein forms H3358Y, H3325Y, H3328Y.
Identifiers: ClinVar variation 3674272 (VCV003674272.2).